The following is an entry in ClinVar:

ClinVar aggregate classification (germline): Uncertain significance. Review status: criteria provided, multiple submitters, no conflicts (2 of 4 stars). 3 submissions from 3 submitters: Uncertain significance (3). Last evaluated 2026-06-01.

Conditions:
Developmental and epileptic encephalopathy, 11 (DEE11). Also called: Early infantile epileptic encephalopathy 11. Identifiers: Orphanet 1934, MedGen C3150987, MONDO:0013388, OMIM 613721.
Seizures, benign familial infantile, 3 (BFIS3). Also called: CONVULSIONS, BENIGN FAMILIAL INFANTILE, 3; Familial neonatal seizures. Identifiers: Orphanet 140927, Orphanet 306, MedGen C1843140, MONDO:0011904, OMIM 607745.

Allele frequency attached by ClinVar (database versions not stated): gnomAD exomes below 0.00001.
gnomAD v4.1: 2 of 1,613,824 alleles (0.00012%); highest among the groups gnomAD compares: East Asian, 0.0022%; no homozygotes.

Submissions (3):

CeGaT Center for Human Genetics Tuebingen
Classification: Uncertain significance. Last evaluated: 2026-06-01. Review status: criteria provided, single submitter. Criteria: CeGaT Center For Human Genetics Tuebingen Variant Classification Criteria Version 2. Collection method: clinical testing. Allele origin: germline. Affected: yes. Observed: 1 variant allele.
Comment: SCN2A: PM2

Labcorp Genetics (formerly Invitae), Labcorp
Classification: Uncertain significance for Seizures, benign familial infantile, 3; Developmental and epileptic encephalopathy, 11. Last evaluated: 2025-02-09. Review status: criteria provided, single submitter. Criteria: Invitae Variant Classification Sherloc (09022015). Collection method: clinical testing. Allele origin: germline.
Comment: This sequence change replaces threonine, which is neutral and polar, with methionine, which is neutral and non-polar, at codon 1966 of the SCN2A protein (p.Thr1966Met). This variant is not present in population databases (gnomAD no frequency). This variant has not been reported in the literature in individuals affected with SCN2A-related conditions. ClinVar contains an entry for this variant (Variation ID: 1046688). Invitae Evidence Modeling of protein sequence and biophysical properties (such as structural, functional, and spatial information, amino acid conservation, physicochemical variation, residue mobility, and thermodynamic stability) indicates that this missense variant is expected to disrupt SCN2A protein function with a positive predictive value of 95%. In summary, the available evidence is currently insufficient to determine the role of this variant in disease. Therefore, it has been classified as a Variant of Uncertain Significance.

GeneDx
Classification: Uncertain significance. Last evaluated: 2022-01-20. Review status: criteria provided, single submitter. Criteria: GeneDx Variant Classification Process June 2021. Collection method: clinical testing. Allele origin: germline. Affected: yes.
Comment: Has not been previously published as pathogenic or benign to our knowledge; Missense variants in this gene are often considered pathogenic (HGMD); In silico analysis supports that this missense variant has a deleterious effect on protein structure/function

NM_001040142.2(SCN2A):c.5897C>T (p.Thr1966Met)

Gene: SCN2A (sodium voltage-gated channel alpha subunit 2; plus strand). Cytogenetic location: 2q24.3.
Variant type: single nucleotide variant.
Coding change: c.5897C>T on transcript NM_001040142.2 (MANE Select); coding-DNA position 5897, C replaced by T.
Protein change: p.Thr1966Met; replaces threonine 1966 with methionine.
Molecular consequence: missense variant.
Genome position (GRCh38, 1-based): chr2:165,389,703, C>T. VCF-style: chr2-165389703-C-T. GRCh37 (hg19) VCF-style: chr2-166246213-C-T.
Other names: c.5897C>T, p.Thr1966Met (NM_001040143.2, NM_001371246.1, NM_001371247.1 and 1 more transcripts); short protein forms T1966M.
Identifiers: ClinVar variation 1046688 (VCV001046688.12), dbSNP rs112098080, ClinGen allele CA59753364.
Genomic context (GRCh38, chr2:165,389,703, plus strand): 5'-AAGAAGATACTCTCATTGATAAACTGAATGAGAATTCAACTCCAGAGAAAACCGATATGA[C>T]GCCTTCCACCACGTCTCCACCCTCGTATGATAGTGTGACCAAACCAGAAAAAGAAAAATT-3'
Protein context (NP_001035232.1, residues 1956-1976): ENSTPEKTDM[Thr1966Met]PSTTSPPSYD